The following is an entry in ClinVar:

ClinVar aggregate classification (germline): Pathogenic. Review status: reviewed by expert panel (3 of 4 stars). 3 submissions from 3 submitters: Pathogenic (1). 2 of the submissions do not count toward it. Last evaluated 2026-09-26.

Conditions:
Juvenile retinoschisis (RS1). Also called: X-Linked Juvenile Retinoschisis; X-linked retinoschisis. Identifiers: Orphanet 792, MedGen C3714753, MONDO:0010725, OMIM 312700.
RS1-related disorder. Also called: RS1-related condition.

Submissions (3):

ClinGen X-linked Inherited Retinal Disease Variant Curation Expert Panel, ClinGen
Classification: Pathogenic for Juvenile retinoschisis. Last evaluated: 2026-09-26. Review status: reviewed by expert panel. Criteria: ClinGen X LinkedIRD ACMG Specifications RS1 V1.0.0. Collection method: curation. Allele origin: germline. Inheritance: X-linked inheritance.
Comment: NM_000330.4(RS1):c.98G>A (p.Trp33Ter) is a nonsense variant that introduces a premature stop codon in exon 3 of 6 and is predicted to trigger nonsense-mediated decay (PVS1). This variant is absent from hemizygous individuals in gnomAD v4.1.0 (PM2_Supporting). At least one proband harboring this variant exhibits a phenotype that includes the appearance of schisis and reduced visual acuity before age 13 years, which together are specific for X-linked retinoschisis (PMID: 24505212, PP4). This variant has been reported in at least 2 apparently unrelated probands meeting one of the PS4 requirements of a male diagnosed with XLRS (PMID: 30652005, DOI 10.2174/1874364102115010201, PS4_Supporting). The variant has been reported to segregate through at least 2 meioses in one family (PP1_Moderate; DOI 10.2174/1874364102115010201). In summary, this variant is classified as pathogenic for X-linked retinoschisis based on the ClinGen X-linked Inherited Retinal Disease Expert Panel Specifications to the ACMG/AMP Variant Interpretation Guidelines for RS1 Version 1.0.0: PM2_Supporting, PVS1, PP4, PP1_Moderate, and PS4_Supporting.

Blueprint Genetics
Classification: Pathogenic for RS1-related disorders. Last evaluated: 2023-07-03. Review status: criteria provided, single submitter. Criteria: ACMG Guidelines, 2015. Collection method: clinical testing. Allele origin: germline. Affected: yes. Observed: 1 variant allele. Not counted in ClinVar's aggregate classification.

Labcorp Genetics (formerly Invitae), Labcorp
Classification: Pathogenic. Last evaluated: 2021-10-07. Review status: criteria provided, single submitter. Criteria: Invitae Variant Classification Sherloc (09022015). Collection method: clinical testing. Allele origin: germline. Not counted in ClinVar's aggregate classification.
Comment: For these reasons, this variant has been classified as Pathogenic. This premature translational stop signal has been observed in individual(s) with retinoschisis (PMID: 24505212, 30652005). This variant is not present in population databases (ExAC no frequency). This sequence change creates a premature translational stop signal (p.Trp33*) in the RS1 gene. It is expected to result in an absent or disrupted protein product. Loss-of-function variants in RS1 are known to be pathogenic (PMID: 9618178, 17172462).

Literature cited by the submitters: PubMed 24505212 (cited by Labcorp Genetics (formerly Invitae), Labcorp); PubMed 30652005 (cited by Labcorp Genetics (formerly Invitae), Labcorp); PubMed 9618178 (cited by Labcorp Genetics (formerly Invitae), Labcorp); PubMed 17172462 (cited by Labcorp Genetics (formerly Invitae), Labcorp).

NM_000330.4(RS1):c.98G>A (p.Trp33Ter)

Gene: RS1 (retinoschisin 1; minus strand). Cytogenetic location: Xp22.13.
Variant type: single nucleotide variant.
Coding change: c.98G>A on transcript NM_000330.4 (MANE Select); coding-DNA position 98, G replaced by A.
Protein change: p.Trp33Ter; replaces tryptophan 33 with a stop codon.
Molecular consequence: nonsense.
Genome position (GRCh38, 1-based): chrX:18,656,739, C>T on the plus strand (G>A on the coding strand, the complement: RS1 is on the minus strand). VCF-style: chrX-18656739-C-T. GRCh37 (hg19) VCF-style: chrX-18674859-C-T.
Other names: NM_000330.4(RS1):c.98G>A; p.Trp33Ter; short protein forms W33*.
Identifiers: ClinVar variation 1380589 (VCV001380589.8), dbSNP rs2147203119, ClinGen allele CA412376521.